The following is an entry in ClinVar:

NM_022455.5(NSD1):c.4724A>T (p.Glu1575Val)

Gene: NSD1 (nuclear receptor binding SET domain protein 1; plus strand). Cytogenetic location: 5q35.3.
Variant type: single nucleotide variant.
Coding change: c.4724A>T on transcript NM_022455.5 (MANE Select); coding-DNA position 4724, A replaced by T.
Protein change: p.Glu1575Val; replaces glutamic acid 1575 with valine.
Molecular consequence: missense variant.
Genome position (GRCh38, 1-based): chr5:177,251,812, A>T. VCF-style: chr5-177251812-A-T. GRCh37 (hg19) VCF-style: chr5-176678813-A-T.
Other names: c.3851A>T, p.Glu1284Val (NM_001365684.2, NM_001409306.1, NM_001409307.1 and 3 more transcripts); c.4724A>T, p.Glu1575Val (NM_001409301.1, NM_001409302.1, NM_001409303.1); c.4304A>T, p.Glu1435Val (NM_001409304.1); c.3971A>T, p.Glu1324Val (NM_001409305.1); short protein forms E1306V, E1575V, E1435V, E1324V, E1284V.
Identifiers: ClinVar variation 1315305 (VCV001315305.2), dbSNP rs1237319595, ClinGen allele CA362352153.
Genomic context (GRCh38, chr5:177,251,812, plus strand): 5'-TGCTGTTATGTGAGGCTCAGTGCTGTGGGGCTTTCCACCTGGAGTGCCTTGGATTGACTG[A>T]GATGCCAAGAGGAAAATTTATCTGCAATGAATGTCGCACAGGTAAAGTAGATATCGAACG-3'
Protein context (NP_071900.2, residues 1565-1585): AFHLECLGLT[Glu1575Val]MPRGKFICNE

ClinVar aggregate classification (germline): Uncertain significance (1 of 4 stars; one submission).

Allele frequency attached by ClinVar (database versions not stated): gnomAD exomes below 0.00001; TOPMed below 0.00001; gnomAD 0.00001.
gnomAD v4.1: 2 of 1,614,058 alleles (0.00012%); highest among the groups gnomAD compares: Non-Finnish European, 0.00017%; no homozygotes.

Submission:

GeneDx
Classification: Uncertain significance. Last evaluated: 2020-02-11. Review status: criteria provided, single submitter. Criteria: GeneDx Variant Classification Process June 2021. Collection method: clinical testing. Allele origin: germline. Affected: yes.
Comment: Not observed in large population cohorts (Lek et al., 2016); In silico analysis supports that this missense variant has a deleterious effect on protein structure/function; Has not been previously published as pathogenic or benign to our knowledge